The following is an entry in ClinVar:

NM_017514.5(PLXNA3):c.806A>G (p.Asp269Gly)

Gene: PLXNA3 (plexin A3; plus strand). Cytogenetic location: Xq28.
Variant type: single nucleotide variant.
Coding change: c.806A>G on transcript NM_017514.5 (MANE Select); coding-DNA position 806, A replaced by G.
Protein change: p.Asp269Gly; replaces aspartic acid 269 with glycine.
Molecular consequence: missense variant.
Genome position (GRCh38, 1-based): chrX:154,461,310, A>G. VCF-style: chrX-154461310-A-G. GRCh37 (hg19) VCF-style: chrX-153689650-A-G.
Other names: short protein forms D269G.
Identifiers: ClinVar variation 4985626 (VCV004985626.1).

ClinVar aggregate classification (germline): Uncertain significance (1 of 4 stars; one submission).

Conditions:
PLXNA3-related disorder. Also called: PLXNA3-related condition.

gnomAD v4.1: 10 of 1,211,941 alleles (0.00083%); highest among the groups gnomAD compares: Non-Finnish European, 0.001%; no homozygotes.

Submission:

PreventionGenetics, part of Exact Sciences
Classification: Uncertain significance for PLXNA3-related condition. Last evaluated: 2026-05-27. Review status: criteria provided, single submitter. Criteria: ACMG Guidelines, 2015. Collection method: clinical testing. Allele origin: germline.
Comment: The PLXNA3 c.806A>G variant is predicted to result in the amino acid substitution p.Asp269Gly. To our knowledge, this variant has not been reported in the literature or in a large population database (gnomAD), indicating this variant is rare. At this time, the clinical significance of this variant is uncertain due to the absence of conclusive functional and genetic evidence.